The following is an entry in ClinVar:

NM_020632.3(ATP6V0A4):c.369_373del (p.Glu123fs)

Gene: ATP6V0A4 (ATPase H+ transporting V0 subunit a4; minus strand). Cytogenetic location: 7q34.
Variant type: Deletion.
Coding change: c.369_373del on transcript NM_020632.3 (MANE Select); coding-DNA positions 369 to 373, 5 bases deleted (ACTGA; older notation c.369_373delACTGA).
Protein change: p.Glu123fs; shifts the reading frame from glutamic acid 123.
Molecular consequence: frameshift variant.
Genome position (GRCh38, 1-based): chr7:138,762,944-138,762,948, TCAGT deleted on the plus strand (ACTGA on the coding strand, the reverse complement: ATP6V0A4 is on the minus strand); deleting any 5 consecutive bases within chr7:138,762,944-138,762,950 gives the same sequence; the c. name uses the placement nearest the transcript's 3' end. VCF-style (leftmost placement, unchanged base first): chr7-138762943-GTCAGT-G. GRCh37 (hg19) VCF-style: chr7-138447688-GTCAGT-G.
Other names: c.369_373del, p.Glu123fs (NM_130840.3, NM_130841.3); short protein forms E123fs.
Identifiers: ClinVar variation 802371 (VCV000802371.3), dbSNP rs1584934951, ClinGen allele CA915945530.
Genomic context (GRCh38, chr7:138,762,943, plus strand): 5'-CATCCCCACGTGACCACCTCAAAGAAGTCTTGGGTTTTCTTCAGGAGGTATTTCAGTTCT[GTCAGT>G]TCTAGGAAGCTTTGTTTCAAGGCCTGCTGGTTCTGGTTGGCTTCCTGTAACTCTCCTTCC-3'

ClinVar aggregate classification (germline): Pathogenic/Likely pathogenic. Review status: criteria provided, multiple submitters, no conflicts (2 of 4 stars). 2 submissions from 2 submitters: Pathogenic (1); Likely pathogenic (1). Last evaluated 2026-02-06.

Conditions:
Autosomal recessive distal renal tubular acidosis. Identifiers: Orphanet 402041, MedGen C1864498, MONDO:0018440.

Submissions (2):

Dasa
Classification: Likely pathogenic. Last evaluated: 2026-02-06. Review status: criteria provided, single submitter. Criteria: DASA Assertion Criteria. Collection method: clinical testing. Allele origin: germline.
Comment: NM_020632.3(ATP6V0A4):c.369_373del (p.Glu123Aspfs*15) is a frameshift variant in ATP6V0A4 predicted to alter the reading frame and introduce a premature termination codon and is predicted to result in an absent or altered protein product. Loss of function is an established disease mechanism for ATP6V0A4-associated disorders. Also, this variant is rare in population databases. Based on the currently available evidence, this variant is classified as likely pathogenic.

Mendelics
Classification: Pathogenic for Renal tubular acidosis, distal, 3, with or without sensorineural hearing loss. Last evaluated: 2019-05-28. Review status: criteria provided, single submitter. Criteria: Mendelics Assertion Criteria 2017. Collection method: clinical testing. Allele origin: unknown.